The following is an entry in ClinVar:

ClinVar aggregate classification (germline): Uncertain significance (1 of 4 stars; one submission).

Conditions:
Inborn genetic diseases. Identifiers: MedGen C0950123, MeSH D030342.

Allele frequency attached by ClinVar (database versions not stated): gnomAD exomes below 0.00001.
gnomAD v4.1: 2 of 1,614,210 alleles (0.00012%); highest among the groups gnomAD compares: Non-Finnish European, 0.00017%; no homozygotes.

Submission:

Ambry Genetics
Classification: Uncertain significance for Inborn genetic diseases. Last evaluated: 2025-07-18. Review status: criteria provided, single submitter. Criteria: Ambry Variant Classification Scheme 2023. Collection method: clinical testing. Allele origin: germline.
Comment: The p.E21K variant (also known as c.61G>A), located in coding exon 2 of the BUB1B gene, results from a G to A substitution at nucleotide position 61. The glutamic acid at codon 21 is replaced by lysine, an amino acid with similar properties. This amino acid position is conserved. In addition, the in silico prediction for this alteration is inconclusive. Since supporting evidence is limited at this time, the clinical significance of this alteration remains unclear.

NM_001211.6(BUB1B):c.61G>A (p.Glu21Lys)

Gene: BUB1B (BUB1 mitotic checkpoint serine/threonine kinase B; plus strand). Cytogenetic location: 15q15.1.
Variant type: single nucleotide variant.
Coding change: c.61G>A on transcript NM_001211.6 (MANE Select); coding-DNA position 61, G replaced by A.
Protein change: p.Glu21Lys; replaces glutamic acid 21 with lysine.
Molecular consequence: missense variant.
Genome position (GRCh38, 1-based): chr15:40,165,078, G>A. VCF-style: chr15-40165078-G-A. GRCh37 (hg19) VCF-style: chr15-40457279-G-A.
Other names: short protein forms E21K.
Identifiers: ClinVar variation 2462454 (VCV002462454.3), dbSNP rs201360106, ClinGen allele CA268764649.
Genomic context (GRCh38, chr15:40,165,078, plus strand): 5'-TGGTATGAGATTTACATTTGTTTCCTTCTTCACAGTGAAGCCATGTCCCTGGAGGGAGAT[G>A]AATGGGAACTGAGTAAAGAAAATGTACAACCTTTAAGGCAAGGGCGGATCATGTCCACGC-3'
Protein context (NP_001202.5, residues 11-31): LSEAMSLEGD[Glu21Lys]WELSKENVQP